The following is an entry in ClinVar:

NM_144997.7(FLCN):c.1644G>C (p.Lys548Asn)

Gene: FLCN (folliculin; minus strand). Cytogenetic location: 17p11.2.
Variant type: single nucleotide variant.
Coding change: c.1644G>C on transcript NM_144997.7 (MANE Select); coding-DNA position 1644, G replaced by C.
Protein change: p.Lys548Asn; replaces lysine 548 with asparagine.
Molecular consequence: missense variant.
Genome position (GRCh38, 1-based): chr17:17,213,751, C>G on the plus strand (G>C on the coding strand, the complement: FLCN is on the minus strand). VCF-style: chr17-17213751-C-G. GRCh37 (hg19) VCF-style: chr17-17117065-C-G.
Other names: c.1644G>C (LRG_325t1); c.1698G>C, p.Lys566Asn (NM_001353229.2); c.1644G>C, p.Lys548Asn (NM_001353230.2, NM_001353231.2); short protein forms K548N, K566N.
Identifiers: ClinVar variation 485598 (VCV000485598.7), dbSNP rs771847652, ClinGen allele CA8415922.

ClinVar aggregate classification (germline): Conflicting classifications of pathogenicity. Review status: criteria provided, conflicting classifications (1 of 4 stars). 2 submissions from 2 submitters: Uncertain significance (1); Benign (1). Last evaluated 2025-10-06.

Conditions:
Birt-Hogg-Dube syndrome. Also called: Birt Hogg Dubé syndrome. Identifiers: Orphanet 122, MedGen C0346010, MONDO:0800444.
Hereditary cancer-predisposing syndrome. Also called: Hereditary neoplastic syndrome; Neoplastic Syndromes, Hereditary; Tumor predisposition; Hereditary Cancer Syndrome. Identifiers: Orphanet 140162, MedGen C0027672, MeSH D009386, MONDO:0015356.

Allele frequency attached by ClinVar (database versions not stated): gnomAD 0.00001; gnomAD exomes 0.00001; TOPMed 0.00001; ExAC 0.00002.
gnomAD v4.1: 1 of 1,614,114 alleles (0.000062%); highest among the groups gnomAD compares: East Asian, 0.0022%; no homozygotes.

Submissions (2):

Labcorp Genetics (formerly Invitae), Labcorp
Classification: Uncertain significance for Birt-Hogg-Dube syndrome. Last evaluated: 2025-10-06. Review status: criteria provided, single submitter. Criteria: Invitae Variant Classification Sherloc (09022015). Collection method: clinical testing. Allele origin: germline.
Comment: This sequence change replaces lysine, which is basic and polar, with asparagine, which is neutral and polar, at codon 548 of the FLCN protein (p.Lys548Asn). This variant is present in population databases (rs771847652, gnomAD 0.02%). This variant has not been reported in the literature in individuals affected with FLCN-related conditions. ClinVar contains an entry for this variant (Variation ID: 485598). Invitae Evidence Modeling of protein sequence and biophysical properties (such as structural, functional, and spatial information, amino acid conservation, physicochemical variation, residue mobility, and thermodynamic stability) indicates that this missense variant is not expected to disrupt FLCN protein function with a negative predictive value of 80%. In summary, the available evidence is currently insufficient to determine the role of this variant in disease. Therefore, it has been classified as a Variant of Uncertain Significance.

Ambry Genetics
Classification: Benign for Hereditary cancer-predisposing syndrome. Last evaluated: 2024-09-27. Review status: criteria provided, single submitter. Criteria: Ambry Variant Classification Scheme 2023. Collection method: clinical testing. Allele origin: germline.